The following is an entry in ClinVar:

ClinVar aggregate classification (germline): Uncertain significance (1 of 4 stars; one submission).

Conditions:
Gastrointestinal stromal tumor. Also called: Gastrointestinal stromal tumor, somatic; Gastrointestinal stroma tumor. Identifiers: Orphanet 44890, MedGen C0238198, MeSH D046152, MONDO:0011719, OMIM 606764, HP:0100723.

gnomAD v4.1: 4 of 1,452,096 alleles (0.00028%); highest among the groups gnomAD compares: Non-Finnish European, 0.00039%; no homozygotes.

Submission:

Labcorp Genetics (formerly Invitae), Labcorp
Classification: Uncertain significance for Gastrointestinal stromal tumor. Last evaluated: 2025-05-28. Review status: criteria provided, single submitter. Criteria: Invitae Variant Classification Sherloc (09022015). Collection method: clinical testing. Allele origin: germline.
Comment: This sequence change falls in intron 8 of the PDGFRA gene. It does not directly change the encoded amino acid sequence of the PDGFRA protein. It affects a nucleotide within the consensus splice site. This variant is not present in population databases (gnomAD no frequency). This variant has not been reported in the literature in individuals affected with PDGFRA-related conditions. ClinVar contains an entry for this variant (Variation ID: 1015702). Variants that disrupt the consensus splice site are a relatively common cause of aberrant splicing (PMID: 17576681, 9536098). Algorithms developed to predict the effect of sequence changes on RNA splicing suggest that this variant is not likely to affect RNA splicing. In summary, the available evidence is currently insufficient to determine the role of this variant in disease. Therefore, it has been classified as a Variant of Uncertain Significance.

Literature cited by the submitters: PubMed 17576681; PubMed 9536098.

NM_006206.6(PDGFRA):c.1237+3A>G

Gene: PDGFRA (platelet derived growth factor receptor alpha; plus strand). Cytogenetic location: 4q12.
Variant type: single nucleotide variant.
Coding change: c.1237+3A>G on transcript NM_006206.6 (MANE Select); 3 bases into the intron after coding-DNA position 1237, A replaced by G.
Molecular consequence: intron variant.
Genome position (GRCh38, 1-based): chr4:54,270,751, A>G. VCF-style: chr4-54270751-A-G. GRCh37 (hg19) VCF-style: chr4-55136918-A-G.
Other names: c.1312+3A>G (NM_001347828.2); c.1237+3A>G (NM_001347827.2, NM_001347829.2); c.1276+3A>G (NM_001347830.2).
Identifiers: ClinVar variation 1015702 (VCV001015702.7), dbSNP rs760562117, ClinGen allele CA1458532658.